The following is an entry in ClinVar:

ClinVar aggregate classification (germline): Uncertain significance (1 of 4 stars; one submission).

Submission:

Labcorp Genetics (formerly Invitae), Labcorp
Classification: Uncertain significance. Last evaluated: 2020-03-26. Review status: criteria provided, single submitter. Criteria: Invitae Variant Classification Sherloc (09022015). Collection method: clinical testing. Allele origin: germline.
Comment: This variant has not been reported in the literature in individuals with SZT2-related conditions. This variant is not present in population databases (ExAC no frequency). This sequence change replaces aspartic acid with tyrosine at codon 1174 of the SZT2 protein (p.Asp1174Tyr). The aspartic acid residue is highly conserved and there is a large physicochemical difference between aspartic acid and tyrosine. Algorithms developed to predict the effect of missense changes on protein structure and function are either unavailable or do not agree on the potential impact of this missense change (SIFT: "Tolerated"; PolyPhen-2: "Possibly Damaging"; Align-GVGD: "Class C15"). In summary, the available evidence is currently insufficient to determine the role of this variant in disease. Therefore, it has been classified as a Variant of Uncertain Significance. Algorithms developed to predict the effect of sequence changes on RNA splicing suggest that this variant may create or strengthen a splice site, but this prediction has not been confirmed by published transcriptional studies.

NM_001365999.1(SZT2):c.3691G>T (p.Asp1231Tyr)

Gene: SZT2 (SZT2 subunit of KICSTOR complex; plus strand). Cytogenetic location: 1p34.2.
Variant type: single nucleotide variant.
Coding change: c.3691G>T on transcript NM_001365999.1 (MANE Select); coding-DNA position 3691, G replaced by T.
Protein change: p.Asp1231Tyr; replaces aspartic acid 1231 with tyrosine.
Molecular consequence: missense variant.
Genome position (GRCh38, 1-based): chr1:43,427,622, G>T. VCF-style: chr1-43427622-G-T. GRCh37 (hg19) VCF-style: chr1-43893293-G-T.
Other names: c.3520G>T, p.Asp1174Tyr (NM_015284.4); short protein forms D1174Y, D1231Y.
Identifiers: ClinVar variation 1017486 (VCV001017486.8), dbSNP rs1653326084, ClinGen allele CA340018842.